The following is an entry in ClinVar:

ClinVar aggregate classification (germline): Uncertain significance (1 of 4 stars; one submission).

Conditions:
Cardiovascular phenotype. Identifiers: MedGen CN230736.

Submission:

Ambry Genetics
Classification: Uncertain significance for Cardiovascular phenotype. Last evaluated: 2024-05-13. Review status: criteria provided, single submitter. Criteria: Ambry Variant Classification Scheme 2023. Collection method: clinical testing. Allele origin: germline.
Comment: The p.S1104R variant (also known as c.3310A>C), located in coding exon 25 of the DMD gene, results from an A to C substitution at nucleotide position 3310. The serine at codon 1104 is replaced by arginine, an amino acid with dissimilar properties. This amino acid position is highly conserved in available vertebrate species. In addition, the in silico prediction for this alteration is inconclusive. Based on the available evidence, the clinical significance of this variant remains unclear.

NM_004006.3(DMD):c.3310A>C (p.Ser1104Arg)

Gene: DMD (dystrophin; minus strand). Cytogenetic location: Xp21.1.
Variant type: single nucleotide variant.
Coding change: c.3310A>C on transcript NM_004006.3 (MANE Select); coding-DNA position 3310, A replaced by C.
Protein change: p.Ser1104Arg; replaces serine 1104 with arginine.
Molecular consequence: missense variant.
Genome position (GRCh38, 1-based): chrX:32,463,561, T>G on the plus strand (A>C on the coding strand, the complement: DMD is on the minus strand). VCF-style: chrX-32463561-T-G. GRCh37 (hg19) VCF-style: chrX-32481678-T-G.
Other names: c.3286A>C, p.Ser1096Arg (NM_000109.4); c.3298A>C, p.Ser1100Arg (NM_004009.3); c.2941A>C, p.Ser981Arg (NM_004010.3); short protein forms S1096R, S1104R, S981R, S1100R.
Identifiers: ClinVar variation 3272381 (VCV003272381.1).